The following is an entry in ClinVar:

NM_018979.4(WNK1):c.2297G>C (p.Ser766Thr)

Gene: WNK1 (WNK lysine deficient protein kinase 1; plus strand). Cytogenetic location: 12p13.33.
Variant type: single nucleotide variant.
Coding change: c.2297G>C on transcript NM_018979.4 (MANE Select); coding-DNA position 2297, G replaced by C.
Protein change: p.Ser766Thr; replaces serine 766 with threonine.
Molecular consequence: missense variant.
Genome position (GRCh38, 1-based): chr12:878,285, G>C. VCF-style: chr12-878285-G-C. GRCh37 (hg19) VCF-style: chr12-987451-G-C.
Other names: c.3536G>C, p.Ser1179Thr (NM_001184985.2); c.2294G>C, p.Ser765Thr (NM_014823.3); c.3791G>C, p.Ser1264Thr (NM_213655.5); short protein forms S1179T, S766T, S765T, S1264T.
Identifiers: ClinVar variation 2075232 (VCV002075232.4), dbSNP rs375358078, ClinGen allele CA383325712.

ClinVar aggregate classification (germline): Uncertain significance (1 of 4 stars; one submission).

Conditions:
Neuropathy, hereditary sensory and autonomic, type 2A (HSAN2A). Also called: ACROOSTEOLYSIS, GIACCAI TYPE; ACROOSTEOLYSIS, NEUROGENIC; MORVAN DISEASE; NEUROPATHY, CONGENITAL SENSORY; NEUROPATHY, HEREDITARY SENSORY RADICULAR, AUTOSOMAL RECESSIVE; NEUROPATHY, HEREDITARY SENSORY, TYPE IIA. Identifiers: Orphanet 970, MedGen C2752089, MONDO:0024309, OMIM 201300.
Pseudohypoaldosteronism type 2C (PHA2C). Also called: Pseudohypoaldosteronism Type IIC. Identifiers: Orphanet 757, Orphanet 88940, MedGen C1840391, MONDO:0013778, OMIM 614492.

Submission:

Labcorp Genetics (formerly Invitae), Labcorp
Classification: Uncertain significance for Neuropathy, hereditary sensory and autonomic, type 2A; Pseudohypoaldosteronism type 2C. Last evaluated: 2022-01-05. Review status: criteria provided, single submitter. Criteria: Invitae Variant Classification Sherloc (09022015). Collection method: clinical testing. Allele origin: germline.
Comment: This variant has not been reported in the literature in individuals affected with WNK1-related conditions. This variant is not present in population databases (gnomAD no frequency). This sequence change replaces serine, which is neutral and polar, with threonine, which is neutral and polar, at codon 1264 of the WNK1 protein (p.Ser1264Thr). In summary, the available evidence is currently insufficient to determine the role of this variant in disease. Therefore, it has been classified as a Variant of Uncertain Significance. Advanced modeling of protein sequence and biophysical properties (such as structural, functional, and spatial information, amino acid conservation, physicochemical variation, residue mobility, and thermodynamic stability) performed at Invitae indicates that this missense variant is not expected to disrupt WNK1 protein function.